The following is an entry in ClinVar:

ClinVar aggregate classification (germline): Uncertain significance (1 of 4 stars; one submission).

Conditions:
Epileptic encephalopathy. Identifiers: MedGen C0543888, HP:0200134.

gnomAD v4.1: 11 of 1,612,726 alleles (0.00068%); highest among the groups gnomAD compares: Non-Finnish European, 0.00093%; no homozygotes.

Submission:

Labcorp Genetics (formerly Invitae), Labcorp
Classification: Uncertain significance for Epileptic encephalopathy. Last evaluated: 2022-01-07. Review status: criteria provided, single submitter. Criteria: Invitae Variant Classification Sherloc (09022015). Collection method: clinical testing. Allele origin: germline.
Comment: In summary, the available evidence is currently insufficient to determine the role of this variant in disease. Therefore, it has been classified as a Variant of Uncertain Significance. This sequence change replaces cysteine, which is neutral and slightly polar, with tyrosine, which is neutral and polar, at codon 602 of the RYR3 protein (p.Cys602Tyr). Algorithms developed to predict the effect of missense changes on protein structure and function (SIFT, PolyPhen-2, Align-GVGD) all suggest that this variant is likely to be disruptive. ClinVar contains an entry for this variant (Variation ID: 1058575). This variant has not been reported in the literature in individuals affected with RYR3-related conditions. This variant is not present in population databases (gnomAD no frequency).

NM_001036.6(RYR3):c.1805G>A (p.Cys602Tyr)

Gene: RYR3 (ryanodine receptor 3; plus strand). Cytogenetic location: 15q14.
Variant type: single nucleotide variant.
Coding change: c.1805G>A on transcript NM_001036.6 (MANE Select); coding-DNA position 1805, G replaced by A.
Protein change: p.Cys602Tyr; replaces cysteine 602 with tyrosine.
Molecular consequence: missense variant.
Genome position (GRCh38, 1-based): chr15:33,601,435, G>A. VCF-style: chr15-33601435-G-A. GRCh37 (hg19) VCF-style: chr15-33893636-G-A.
Other names: c.1805G>A, p.Cys602Tyr (NM_001243996.4); short protein forms C602Y.
Identifiers: ClinVar variation 1058575 (VCV001058575.9), dbSNP rs754472286, ClinGen allele CA391561836.